The following is an entry in ClinVar:

NM_000263.4(NAGLU):c.268C>T (p.His90Tyr)

Genes: NAGLU (N-acetyl-alpha-glucosaminidase; plus strand), LOC130060903 (ATAC-STARR-seq lymphoblastoid silent region 8533; plus strand). Cytogenetic location: 17q21.2.
Variant type: single nucleotide variant.
Coding change: c.268C>T on transcript NM_000263.4 (MANE Select); coding-DNA position 268, C replaced by T.
Protein change: p.His90Tyr; replaces histidine 90 with tyrosine.
Molecular consequence: missense variant.
Genome position (GRCh38, 1-based): chr17:42,536,540, C>T. VCF-style: chr17-42536540-C-T. GRCh37 (hg19) VCF-style: chr17-40688558-C-T.
Other names: short protein forms H90Y.
Identifiers: ClinVar variation 2647789 (VCV002647789.24), dbSNP rs1046181264, ClinGen allele CA290771358.

ClinVar aggregate classification (germline): Uncertain significance (1 of 4 stars; one submission).

Allele frequency attached by ClinVar (database versions not stated): TOPMed 0.00002.

Submission:

CeGaT Center for Human Genetics Tuebingen
Classification: Uncertain significance. Last evaluated: 2022-10-01. Review status: criteria provided, single submitter. Criteria: CeGaT Center For Human Genetics Tuebingen Variant Classification Criteria Version 2. Collection method: clinical testing. Allele origin: germline. Affected: yes. Observed: 1 variant allele.
Comment: NAGLU: PM2, PP3